The following is an entry in ClinVar:

ClinVar aggregate classification (germline): Uncertain significance. Review status: criteria provided, multiple submitters, no conflicts (2 of 4 stars). 2 submissions from 2 submitters: Uncertain significance (2). Last evaluated 2025-12-10.

Conditions:
Cardiovascular phenotype. Identifiers: MedGen CN230736.

Allele frequency attached by ClinVar (database versions not stated): gnomAD exomes below 0.00001.
gnomAD v4.1: 1 of 1,610,868 alleles (0.000062%); highest among the groups gnomAD compares: Non-Finnish European, 0.000085%; no homozygotes.

Submissions (2):

Ambry Genetics
Classification: Uncertain significance for Cardiovascular phenotype. Last evaluated: 2025-12-10. Review status: criteria provided, single submitter. Criteria: Ambry Variant Classification Scheme 2023. Collection method: clinical testing. Allele origin: germline.
Comment: The p.E1899K variant (also known as c.5695G>A), located in coding exon 14 of the ALPK3 gene, results from a G to A substitution at nucleotide position 5695. The glutamic acid at codon 1899 is replaced by lysine, an amino acid with similar properties. This amino acid position is conserved. In addition, this alteration is predicted to be tolerated by in silico analysis. Based on the available evidence, the clinical significance of this variant remains unclear.

Labcorp Genetics (formerly Invitae), Labcorp
Classification: Uncertain significance. Last evaluated: 2021-10-16. Review status: criteria provided, single submitter. Criteria: Invitae Variant Classification Sherloc (09022015). Collection method: clinical testing. Allele origin: germline.
Comment: In summary, the available evidence is currently insufficient to determine the role of this variant in disease. Therefore, it has been classified as a Variant of Uncertain Significance. Algorithms developed to predict the effect of missense changes on protein structure and function (SIFT, PolyPhen-2, Align-GVGD) all suggest that this variant is likely to be tolerated. This variant has not been reported in the literature in individuals affected with ALPK3-related conditions. This variant is not present in population databases (ExAC no frequency). This sequence change replaces glutamic acid with lysine at codon 1899 of the ALPK3 protein (p.Glu1899Lys). The glutamic acid residue is weakly conserved and there is a small physicochemical difference between glutamic acid and lysine.

NM_020778.5(ALPK3):c.5089G>A (p.Glu1697Lys)

Gene: ALPK3 (alpha kinase 3; plus strand). Cytogenetic location: 15q25.3.
Variant type: single nucleotide variant.
Coding change: c.5089G>A on transcript NM_020778.5 (MANE Select); coding-DNA position 5089, G replaced by A.
Protein change: p.Glu1697Lys; replaces glutamic acid 1697 with lysine.
Molecular consequence: missense variant.
Genome position (GRCh38, 1-based): chr15:84,868,427, G>A. VCF-style: chr15-84868427-G-A. GRCh37 (hg19) VCF-style: chr15-85411658-G-A.
Other names: c.5695G>A (NM_020778.4); short protein forms E1697K.
Identifiers: ClinVar variation 1516730 (VCV001516730.7), dbSNP rs2141576412, ClinGen allele CA393366468.